The following is an entry in ClinVar:

NM_032634.4(PIGO):c.2360_2363del (p.Pro787fs)

Gene: PIGO (phosphatidylinositol glycan anchor biosynthesis class O; minus strand). Cytogenetic location: 9p13.3.
Variant type: Deletion.
Coding change: c.2360_2363del on transcript NM_032634.4 (MANE Select); coding-DNA positions 2360 to 2363, 4 bases deleted (CCAC; older notation c.2360_2363delCCAC).
Protein change: p.Pro787fs; shifts the reading frame from proline 787.
Molecular consequence: frameshift variant. On other transcripts: intron variant (2).
Genome position (GRCh38, 1-based): chr9:35,091,524-35,091,527, GTGG deleted on the plus strand (CCAC on the coding strand, the reverse complement: PIGO is on the minus strand); deleting any 4 consecutive bases within chr9:35,091,524-35,091,528 gives the same sequence; the c. name uses the placement nearest the transcript's 3' end. VCF-style (leftmost placement, unchanged base first): chr9-35091523-AGTGG-A. GRCh37 (hg19) VCF-style: chr9-35091520-AGTGG-A.
Other names: c.1345-236_1345-233del (NM_152850.4, NM_001201484.2); short protein forms P787fs.
Identifiers: ClinVar variation 1076728 (VCV001076728.7), dbSNP rs2131074060, ClinGen allele CA2499219863.

ClinVar aggregate classification (germline): Pathogenic (1 of 4 stars; one submission).

Conditions:
Hyperphosphatasia with impaired intellectual development syndrome 2. Also called: Hyperphosphatasia with intellectual disability syndrome 2; GLYCOSYLPHOSPHATIDYLINOSITOL BIOSYNTHESIS DEFECT 6. Identifiers: Orphanet 247262, MedGen C3553637, MONDO:0013882, OMIM 614749.

Submission:

Labcorp Genetics (formerly Invitae), Labcorp
Classification: Pathogenic for Hyperphosphatasia with impaired intellectual development syndrome 2. Last evaluated: 2020-07-26. Review status: criteria provided, single submitter. Criteria: Invitae Variant Classification Sherloc (09022015). Collection method: clinical testing. Allele origin: germline.
Comment: This variant is not present in population databases (ExAC no frequency). This sequence change creates a premature translational stop signal (p.Pro787Leufs*25) in the PIGO gene. It is expected to result in an absent or disrupted protein product. This variant has not been reported in the literature in individuals with PIGO-related conditions. For these reasons, this variant has been classified as Pathogenic. Loss-of-function variants in PIGO are known to be pathogenic (PMID: 22683086, 24417746).

Literature cited by the submitters: PubMed 22683086; PubMed 24417746.